The following is an entry in ClinVar:

GRCh37/hg19 2q13(chr2:111395603-113251000)

Genes: ACOXL (acyl-CoA oxidase like; plus strand), ANAPC1 (anaphase promoting complex subunit 1; minus strand), BCL2L11 (BCL2 like 11; plus strand), BUB1 (BUB1 mitotic checkpoint serine/threonine kinase; minus strand), FBLN7 (fibulin 7; plus strand) and 6 more. Cytogenetic location: 2q13.
Variant type: copy number loss.
Identifiers: ClinVar variation 625831 (VCV000625831.1).

ClinVar aggregate classification (germline): Likely pathogenic (1 of 4 stars; one submission).

Submission:

Baylor Genetics
Classification: Likely pathogenic. Last evaluated: 2018-11-01. Review status: criteria provided, single submitter. Criteria: ACMG CNV Guidelines, 2011. Collection method: clinical testing. Allele origin: germline. Observed: 2 variant alleles.
Comment: Deletions involving this region have been previously reported in patients with developmental delay, dysmorphism and heart defects (PMID:24694933, 21255006)